The following is an entry in ClinVar:

NM_001605.3(AARS1):c.743dup (p.Ser249fs)

Gene: AARS1 (alanyl-tRNA synthetase 1; minus strand). Cytogenetic location: 16q22.1.
Variant type: Duplication.
Coding change: c.743dup on transcript NM_001605.3 (MANE Select); coding-DNA position 743, one base duplicated (T; older notation c.743dupT).
Protein change: p.Ser249fs; shifts the reading frame from serine 249.
Molecular consequence: frameshift variant.
Genome position (GRCh38, 1-based): chr16:70,270,269, A duplicated on the plus strand (T on the coding strand, the reverse complement: AARS1 is on the minus strand). VCF-style (leftmost placement, unchanged base first): chr16-70270268-T-TA. GRCh37 (hg19) VCF-style: chr16-70304171-T-TA.
Other names: short protein forms S249fs.
Identifiers: ClinVar variation 3605723 (VCV003605723.2).

ClinVar aggregate classification (germline): Pathogenic (1 of 4 stars; one submission).

Conditions:
Charcot-Marie-Tooth disease type 2. Also called: Charcot-Marie-Tooth type 2. Identifiers: Orphanet 64746, MedGen C0270914, MONDO:0018993.

Submission:

Labcorp Genetics (formerly Invitae), Labcorp
Classification: Pathogenic for Charcot-Marie-Tooth disease type 2. Last evaluated: 2024-11-03. Review status: criteria provided, single submitter. Criteria: Invitae Variant Classification Sherloc (09022015). Collection method: clinical testing. Allele origin: germline.
Comment: This sequence change creates a premature translational stop signal (p.Ser249Ilefs*6) in the AARS gene. It is expected to result in an absent or disrupted protein product. Loss-of-function variants in AARS are known to be pathogenic (PMID: 25817015, 28493438, 34446925). This variant is present in population databases (no rsID available, gnomAD 0.0009%). This variant has not been reported in the literature in individuals affected with AARS-related conditions. Algorithms developed to predict the effect of sequence changes on RNA splicing suggest that this variant may disrupt the consensus splice site. For these reasons, this variant has been classified as Pathogenic.

Literature cited by the submitters: PubMed 25817015; PubMed 28493438; PubMed 34446925.